The following is an entry in ClinVar:

NM_003924.4(PHOX2B):c.598C>T (p.Pro200Ser)

Gene: PHOX2B (paired like homeobox 2B; minus strand). Cytogenetic location: 4p13.
Variant type: single nucleotide variant.
Coding change: c.598C>T on transcript NM_003924.4 (MANE Select); coding-DNA position 598, C replaced by T.
Protein change: p.Pro200Ser; replaces proline 200 with serine.
Molecular consequence: missense variant.
Genome position (GRCh38, 1-based): chr4:41,746,154, G>A on the plus strand (C>T on the coding strand, the complement: PHOX2B is on the minus strand). VCF-style: chr4-41746154-G-A. GRCh37 (hg19) VCF-style: chr4-41748171-G-A.
Other names: short protein forms P200S.
Identifiers: ClinVar variation 5026559 (VCV005026559.1).

ClinVar aggregate classification (germline): Uncertain significance (1 of 4 stars; one submission).

Conditions:
Hereditary cancer-predisposing syndrome. Also called: Neoplastic Syndromes, Hereditary; Tumor predisposition; Hereditary neoplastic syndrome; Hereditary Cancer Syndrome. Identifiers: Orphanet 140162, MedGen C0027672, MeSH D009386, MONDO:0015356.

Submission:

Ambry Genetics
Classification: Uncertain significance for Hereditary cancer-predisposing syndrome. Last evaluated: 2026-07-06. Review status: criteria provided, single submitter. Criteria: Ambry Variant Classification Scheme 2023. Collection method: clinical testing. Allele origin: germline.
Comment: The p.P200S variant (also known as c.598C>T), located in coding exon 3 of the PHOX2B gene, results from a C to T substitution at nucleotide position 598. The proline at codon 200 is replaced by serine, an amino acid with similar properties. This amino acid position is conserved. In addition, this alteration is predicted to be tolerated by in silico analysis. Based on the available evidence, the clinical significance of this variant remains unclear.